The following is an entry in ClinVar:

NM_001376.5(DYNC1H1):c.11966G>A (p.Arg3989His)

Gene: DYNC1H1 (dynein cytoplasmic 1 heavy chain 1; plus strand). Cytogenetic location: 14q32.31.
Variant type: single nucleotide variant.
Coding change: c.11966G>A on transcript NM_001376.5 (MANE Select); coding-DNA position 11966, G replaced by A.
Protein change: p.Arg3989His; replaces arginine 3989 with histidine.
Molecular consequence: missense variant.
Genome position (GRCh38, 1-based): chr14:102,041,598, G>A. VCF-style: chr14-102041598-G-A. GRCh37 (hg19) VCF-style: chr14-102507935-G-A.
Other names: short protein forms R3989H.
Identifiers: ClinVar variation 1342076 (VCV001342076.9), dbSNP rs377516509, ClinGen allele CA7353798.

ClinVar aggregate classification (germline): Conflicting classifications of pathogenicity. Review status: criteria provided, conflicting classifications (1 of 4 stars). 2 submissions from 2 submitters: Uncertain significance (1); Likely benign (1). Last evaluated 2025-07-27.

Conditions:
Charcot-Marie-Tooth disease axonal type 2O. Also called: CHARCOT-MARIE-TOOTH DISEASE, AXONAL, AUTOSOMAL DOMINANT, TYPE 2O; CHARCOT-MARIE-TOOTH NEUROPATHY, AXONAL, TYPE 2O; Charcot-Marie-Tooth disease, axonal, type 20; Charcot-Marie-Tooth Neuropathy Type 2O. Identifiers: Orphanet 284232, MedGen C3280220, MONDO:0013644, OMIM 614228.

Allele frequency attached by ClinVar (database versions not stated): gnomAD exomes 0.00001 and 0.00002; ExAC 0.00002; gnomAD 0.00001; ESP Exome Variant Server 0.00015.

Submissions (2):

Labcorp Genetics (formerly Invitae), Labcorp
Classification: Likely benign for Charcot-Marie-Tooth disease axonal type 2O. Last evaluated: 2025-07-27. Review status: criteria provided, single submitter. Criteria: Invitae Variant Classification Sherloc (09022015). Collection method: clinical testing. Allele origin: germline.

GeneDx
Classification: Uncertain significance. Last evaluated: 2022-02-15. Review status: criteria provided, single submitter. Criteria: GeneDx Variant Classification Process June 2021. Collection method: clinical testing. Allele origin: germline. Affected: yes.
Comment: In silico analysis supports that this missense variant does not alter protein structure/function; Has not been previously published as pathogenic or benign to our knowledge; This variant is associated with the following publications: (PMID: 26100331, 25609763, 25512093)